The following is an entry in ClinVar:

NM_004982.4(KCNJ8):c.1124C>T (p.Ser375Phe)

Genes: KCNJ8-AS1 (KCNJ8 antisense RNA 1; plus strand), KCNJ8 (potassium inwardly rectifying channel subfamily J member 8; minus strand). Cytogenetic location: 12p12.1.
Variant type: single nucleotide variant.
Coding change: c.1124C>T on transcript NM_004982.4 (MANE Select); coding-DNA position 1124, C replaced by T.
Protein change: p.Ser375Phe; replaces serine 375 with phenylalanine.
Molecular consequence: missense variant.
Genome position (GRCh38, 1-based): chr12:21,765,874, G>A on the plus strand (C>T on the coding strand, the complement: KCNJ8 is on the minus strand). VCF-style: chr12-21765874-G-A. GRCh37 (hg19) VCF-style: chr12-21918808-G-A.
Other names: short protein forms S375F.
Identifiers: ClinVar variation 4801157 (VCV004801157.1).

ClinVar aggregate classification (germline): Uncertain significance (1 of 4 stars; one submission).

Conditions:
Brugada syndrome. Also called: Sudden unexpected nocturnal death syndrome; Sudden unexplained nocturnal death syndrome; Sudden Unexplained Death Syndrome; Sudden Unexplained Nocturnal Death Syndrome (SUNDS). Identifiers: Orphanet 130, MedGen C1142166, MONDO:0015263.

Submission:

Labcorp Genetics (formerly Invitae), Labcorp
Classification: Uncertain significance for Brugada syndrome. Last evaluated: 2025-08-18. Review status: criteria provided, single submitter. Criteria: Invitae Variant Classification Sherloc (09022015). Collection method: clinical testing. Allele origin: germline.
Comment: This sequence change replaces serine, which is neutral and polar, with phenylalanine, which is neutral and non-polar, at codon 375 of the KCNJ8 protein (p.Ser375Phe). This variant is not present in population databases (gnomAD no frequency). This variant has not been reported in the literature in individuals affected with KCNJ8-related conditions. Invitae Evidence Modeling of protein sequence and biophysical properties (such as structural, functional, and spatial information, amino acid conservation, physicochemical variation, residue mobility, and thermodynamic stability) indicates that this missense variant is expected to disrupt KCNJ8 protein function with a positive predictive value of 95%. In summary, the available evidence is currently insufficient to determine the role of this variant in disease. Therefore, it has been classified as a Variant of Uncertain Significance.